The following is an entry in ClinVar:

ClinVar aggregate classification (germline): Uncertain significance. Review status: criteria provided, multiple submitters, no conflicts (2 of 4 stars). 2 submissions from 2 submitters: Uncertain significance (2). Last evaluated 2022-10-15.

Allele frequency attached by ClinVar (database versions not stated): gnomAD 0.00001; gnomAD exomes 0.00001 and 0.00005; TOPMed 0.00001.
gnomAD v4.1: 67 of 1,535,990 alleles (0.0044%); highest among the groups gnomAD compares: Non-Finnish European, 0.0058%; no homozygotes.

Submissions (2):

Blueprint Genetics
Classification: Uncertain significance. Last evaluated: 2022-10-15. Review status: criteria provided, single submitter. Criteria: ACMG Guidelines, 2015. Collection method: clinical testing. Allele origin: germline.

Labcorp Genetics (formerly Invitae), Labcorp
Classification: Uncertain significance. Last evaluated: 2021-10-14. Review status: criteria provided, single submitter. Criteria: Invitae Variant Classification Sherloc (09022015). Collection method: clinical testing. Allele origin: germline.
Comment: This sequence change replaces arginine with glycine at codon 819 of the PDZD7 protein (p.Arg819Gly). The arginine residue is weakly conserved and there is a moderate physicochemical difference between arginine and glycine. The frequency data for this variant in the population databases is considered unreliable, as metrics indicate insufficient coverage at this position in the ExAC database. This variant has not been reported in the literature in individuals affected with PDZD7-related conditions. Algorithms developed to predict the effect of missense changes on protein structure and function are either unavailable or do not agree on the potential impact of this missense change (SIFT: "Deleterious"; PolyPhen-2: "Not Available"; Align-GVGD: "Class C0"). In summary, the available evidence is currently insufficient to determine the role of this variant in disease. Therefore, it has been classified as a Variant of Uncertain Significance.

NM_001195263.2(PDZD7):c.2455A>G (p.Arg819Gly)

Gene: PDZD7 (PDZ domain containing 7; minus strand). Cytogenetic location: 10q24.31.
Variant type: single nucleotide variant.
Coding change: c.2455A>G on transcript NM_001195263.2 (MANE Select); coding-DNA position 2455, A replaced by G.
Protein change: p.Arg819Gly; replaces arginine 819 with glycine.
Molecular consequence: missense variant.
Genome position (GRCh38, 1-based): chr10:101,010,434, T>C on the plus strand (A>G on the coding strand, the complement: PDZD7 is on the minus strand). VCF-style: chr10-101010434-T-C. GRCh37 (hg19) VCF-style: chr10-102770191-T-C.
Other names: short protein forms R819G.
Identifiers: ClinVar variation 1387058 (VCV001387058.7), dbSNP rs1328996490, ClinGen allele CA378224136.
Genomic context (GRCh38, chr10:101,010,434, plus strand): 5'-GCCCTTGCTTGGCCCCCACCTTGGCTGCCTCCCCATCCAGAGGTCGTGGCAGAGGGGGTC[T>C]GGCCTTCCGAGGCTTGTGGTAGCGCCCATTGGTCATGCTGGGGGCAGGGGTAGGCACCGG-3'
Protein context (NP_001182192.1, residues 809-829): NGRYHKPRKA[Arg819Gly]PPLPRPLDGE